The following is an entry in ClinVar:

NM_001395656.1(ROBO2):c.728A>T (p.Glu243Val)

Gene: ROBO2 (roundabout guidance receptor 2; plus strand). Cytogenetic location: 3p12.3.
Variant type: single nucleotide variant.
Coding change: c.728A>T on transcript NM_001395656.1 (MANE Select); coding-DNA position 728, A replaced by T.
Protein change: p.Glu243Val; replaces glutamic acid 243 with valine.
Molecular consequence: missense variant. On other transcripts: 5 prime UTR variant (1).
Genome position (GRCh38, 1-based): chr3:77,493,304, A>T. VCF-style: chr3-77493304-A-T. GRCh37 (hg19) VCF-style: chr3-77542455-A-T.
Other names: c.776A>T, p.Glu259Val (NM_001378196.1, NM_001378200.1, NM_001378201.1 and 5 more transcripts); c.728A>T, p.Glu243Val (NM_001378197.1, NM_001378202.1, NM_001290039.2 and 3 more transcripts); c.797A>T, p.Glu266Val (NM_001378198.1, NM_001378199.1, NM_001394212.1 and 5 more transcripts); c.-1191A>T (NM_001290065.2); short protein forms E243V, E259V, E266V.
Identifiers: ClinVar variation 3635764 (VCV003635764.2).

ClinVar aggregate classification (germline): Uncertain significance (1 of 4 stars; one submission).

Submission:

Labcorp Genetics (formerly Invitae), Labcorp
Classification: Uncertain significance. Last evaluated: 2025-06-12. Review status: criteria provided, single submitter. Criteria: Invitae Variant Classification Sherloc (09022015). Collection method: clinical testing. Allele origin: germline.
Comment: This sequence change replaces glutamic acid, which is acidic and polar, with valine, which is neutral and non-polar, at codon 243 of the ROBO2 protein (p.Glu243Val). This variant is not present in population databases (gnomAD no frequency). This variant has not been reported in the literature in individuals affected with ROBO2-related conditions. ClinVar contains an entry for this variant (Variation ID: 3635764). Invitae Evidence Modeling of protein sequence and biophysical properties (such as structural, functional, and spatial information, amino acid conservation, physicochemical variation, residue mobility, and thermodynamic stability) indicates that this missense variant is not expected to disrupt ROBO2 protein function with a negative predictive value of 95%. In summary, the available evidence is currently insufficient to determine the role of this variant in disease. Therefore, it has been classified as a Variant of Uncertain Significance.